The following is an entry in ClinVar:

NM_001447.3(FAT2):c.12881G>T (p.Gly4294Val)

Genes: FAT2 (FAT atypical cadherin 2; minus strand), SLC36A1 (solute carrier family 36 member 1; plus strand). Cytogenetic location: 5q33.1.
Variant type: single nucleotide variant.
Coding change: c.12881G>T on transcript NM_001447.3 (MANE Select); coding-DNA position 12881, G replaced by T.
Protein change: p.Gly4294Val; replaces glycine 4294 with valine.
Molecular consequence: missense variant.
Genome position (GRCh38, 1-based): chr5:151,505,734, C>A on the plus strand (G>T on the coding strand, the complement: FAT2 is on the minus strand). VCF-style: chr5-151505734-C-A. GRCh37 (hg19) VCF-style: chr5-150885295-C-A.
Other names: short protein forms G4294V.
Identifiers: ClinVar variation 1914014 (VCV001914014.7), dbSNP rs1235591397, ClinGen allele CA361814935.

ClinVar aggregate classification (germline): Uncertain significance. Review status: criteria provided, multiple submitters, no conflicts (2 of 4 stars). 2 submissions from 2 submitters: Uncertain significance (2). Last evaluated 2025-12-01.

Allele frequency attached by ClinVar (database versions not stated): TOPMed 0.00001.
gnomAD v4.1: 9 of 1,613,612 alleles (0.00056%); highest among the groups gnomAD compares: Non-Finnish European, 0.00076%; no homozygotes.

Submissions (2):

Labcorp Genetics (formerly Invitae), Labcorp
Classification: Uncertain significance. Last evaluated: 2025-12-01. Review status: criteria provided, single submitter. Criteria: Invitae Variant Classification Sherloc (09022015). Collection method: clinical testing. Allele origin: germline.
Comment: This sequence change replaces glycine, which is neutral and non-polar, with valine, which is neutral and non-polar, at codon 4294 of the FAT2 protein (p.Gly4294Val). This variant is present in population databases (no rsID available, gnomAD 0.002%). This variant has not been reported in the literature in individuals affected with FAT2-related conditions. ClinVar contains an entry for this variant (Variation ID: 1914014). An algorithm developed to predict the effect of missense changes on protein structure and function (PolyPhen-2) suggests that this variant is likely to be disruptive. In summary, the available evidence is currently insufficient to determine the role of this variant in disease. Therefore, it has been classified as a Variant of Uncertain Significance.

Ambry Genetics
Classification: Uncertain significance. Last evaluated: 2025-09-24. Review status: criteria provided, single submitter. Criteria: Ambry Variant Classification Scheme 2023. Collection method: clinical testing. Allele origin: germline.